The following is an entry in ClinVar:

NM_032638.5(GATA2):c.283T>G (p.Leu95Val)

Gene: GATA2 (GATA binding protein 2; minus strand). Cytogenetic location: 3q21.3.
Variant type: single nucleotide variant.
Coding change: c.283T>G on transcript NM_032638.5 (MANE Select); coding-DNA position 283, T replaced by G.
Protein change: p.Leu95Val; replaces leucine 95 with valine.
Molecular consequence: missense variant.
Genome position (GRCh38, 1-based): chr3:128,486,315, A>C on the plus strand (T>G on the coding strand, the complement: GATA2 is on the minus strand). VCF-style: chr3-128486315-A-C. GRCh37 (hg19) VCF-style: chr3-128205158-A-C.
Other names: c.283T>G, p.Leu95Val (NM_001145661.2, NM_001145662.1); short protein forms L95V.
Identifiers: ClinVar variation 2091574 (VCV002091574.5), dbSNP rs2472932163, ClinGen allele CA354407584.
Genomic context (GRCh38, chr3:128,486,315, plus strand): 5'-GGTTGTGGTGGTGGGCCGCAGCGGCAGAGAGGGCTGCTTTGCCCCCGTCCAGCCAGGGCA[A>C]ACCCGGGCTGTGCAACAAGTGTGGGCGGCACATCTGGCCTCCGGTCAGGCGGGCTGCGGG-3'
Protein context (NP_116027.2, residues 85-105): CRPHLLHSPG[Leu95Val]PWLDGGKAAL

ClinVar aggregate classification (germline): Uncertain significance. Review status: criteria provided, multiple submitters, no conflicts (2 of 4 stars). 2 submissions from 2 submitters: Uncertain significance (2). Last evaluated 2023-07-28.

Conditions:
Acute myeloid leukemia (AML). Also called: Acute myeloid leukemia, adult; AML adult; Acute non-lymphocytic leukemia; Acute granulocytic leukemia; Leukemia, acute myeloid, somatic; Leukemia, acute myelogenous, somatic. Identifiers: Orphanet 519, MedGen C0023467, MeSH D015470, MONDO:0018874, OMIM 601626, HP:0004808. Disease mechanism: Constitutively activated FLT3.
Deafness-lymphedema-leukemia syndrome. Also called: Lymphedema, primary, with myelodysplasia; Emberger syndrome. Identifiers: Orphanet 3226, MedGen C3279664, MONDO:0013540, OMIM 614038.
Monocytopenia with susceptibility to infections. Also called: MONOCYTOPENIA AND MYCOBACTERIAL INFECTION SYNDROME; MONOCYTOPENIA WITH SUSCEPTIBILITY TO MYCOBACTERIAL, FUNGAL, AND PAPILLOMAVIRUS INFECTIONS AND MYELODYSPLASIA; COMBINED IMMUNODEFICIENCY WITH SUSCEPTIBILITY TO MYCOBACTERIAL, VIRAL, AND FUNGAL INFECTIONS; Dendritic cell, monocyte, B lymphocyte, and natural killer lymphocyte deficiency; IMMUNODEFICIENCY 21; GATA2 DEFICIENCY. Identifiers: Orphanet 228423, MedGen C3280030, MONDO:0013607, OMIM 614172.

Submissions (2):

Baylor Genetics
Classification: Uncertain significance for Acute myeloid leukemia. Last evaluated: 2023-07-28. Review status: criteria provided, single submitter. Criteria: ACMG Guidelines, 2015. Collection method: clinical testing. Allele origin: unknown.

Labcorp Genetics (formerly Invitae), Labcorp
Classification: Uncertain significance for Monocytopenia with susceptibility to infections; Deafness-lymphedema-leukemia syndrome. Last evaluated: 2022-09-14. Review status: criteria provided, single submitter. Criteria: Invitae Variant Classification Sherloc (09022015). Collection method: clinical testing. Allele origin: germline.
Comment: This sequence change replaces leucine, which is neutral and non-polar, with valine, which is neutral and non-polar, at codon 95 of the GATA2 protein (p.Leu95Val). This variant is not present in population databases (gnomAD no frequency). This variant has not been reported in the literature in individuals affected with GATA2-related conditions. Advanced modeling of protein sequence and biophysical properties (such as structural, functional, and spatial information, amino acid conservation, physicochemical variation, residue mobility, and thermodynamic stability) performed at Invitae indicates that this missense variant is not expected to disrupt GATA2 protein function. In summary, the available evidence is currently insufficient to determine the role of this variant in disease. Therefore, it has been classified as a Variant of Uncertain Significance.